The following is an entry in ClinVar:

NM_002439.5(MSH3):c.2795T>C (p.Val932Ala)

Gene: MSH3 (mutS homolog 3; plus strand). Cytogenetic location: 5q14.1.
Variant type: single nucleotide variant.
Coding change: c.2795T>C on transcript NM_002439.5 (MANE Select); coding-DNA position 2795, T replaced by C.
Protein change: p.Val932Ala; replaces valine 932 with alanine.
Molecular consequence: missense variant.
Genome position (GRCh38, 1-based): chr5:80,813,723, T>C. VCF-style: chr5-80813723-T-C. GRCh37 (hg19) VCF-style: chr5-80109542-T-C.
Other names: c.2795T>C (NM_002439.3, NM_002439.4); short protein forms V932A.
Identifiers: ClinVar variation 998978 (VCV000998978.11), dbSNP rs1745050380, ClinGen allele CA360274090.
Genomic context (GRCh38, chr5:80,813,723, plus strand): 5'-TTACCATCATGGCTCAGATTGGCTCCTATGTTCCTGCAGAAGAAGCGACAATTGGGATTG[T>C]GGATGGCATTTTCACAAGGTAAGTACGTTAATTCAGCTTGCATATATTCTTGAAAATAAG-3'
Protein context (NP_002430.3, residues 922-942): VPAEEATIGI[Val932Ala]DGIFTRMGAA

ClinVar aggregate classification (germline): Uncertain significance. Review status: criteria provided, multiple submitters, no conflicts (2 of 4 stars). 3 submissions from 3 submitters: Uncertain significance (3). Last evaluated 2024-10-12.

Conditions:
Hereditary cancer-predisposing syndrome. Also called: Neoplastic Syndromes, Hereditary; Tumor predisposition; Hereditary Cancer Syndrome; Hereditary neoplastic syndrome. Identifiers: Orphanet 140162, MedGen C0027672, MeSH D009386, MONDO:0015356.

Submissions (3):

Ambry Genetics
Classification: Uncertain significance for Hereditary cancer-predisposing syndrome. Last evaluated: 2024-10-12. Review status: criteria provided, single submitter. Criteria: Ambry Variant Classification Scheme 2023. Collection method: clinical testing. Allele origin: germline.
Comment: The p.V932A variant (also known as c.2795T>C), located in coding exon 20 of the MSH3 gene, results from a T to C substitution at nucleotide position 2795. The valine at codon 932 is replaced by alanine, an amino acid with similar properties. This amino acid position is conserved. In addition, the in silico prediction for this alteration is inconclusive. Based on the available evidence, the clinical significance of this variant remains unclear.

Quest Diagnostics Nichols Institute San Juan Capistrano
Classification: Uncertain significance. Last evaluated: 2024-05-13. Review status: criteria provided, single submitter. Criteria: Quest Diagnostics criteria. Collection method: clinical testing. Allele origin: unknown.

Labcorp Genetics (formerly Invitae), Labcorp
Classification: Uncertain significance. Last evaluated: 2020-01-14. Review status: criteria provided, single submitter. Criteria: Invitae Variant Classification Sherloc (09022015). Collection method: clinical testing. Allele origin: germline.
Comment: In summary, the available evidence is currently insufficient to determine the role of this variant in disease. Therefore, it has been classified as a Variant of Uncertain Significance. Algorithms developed to predict the effect of missense changes on protein structure and function are either unavailable or do not agree on the potential impact of this missense change (SIFT: "Tolerated"; PolyPhen-2: "Possibly Damaging"; Align-GVGD: "Class C0"). This variant has not been reported in the literature in individuals with MSH3-related conditions. This variant is not present in population databases (ExAC no frequency). This sequence change replaces valine with alanine at codon 932 of the MSH3 protein (p.Val932Ala). The valine residue is moderately conserved and there is a small physicochemical difference between valine and alanine.